The following is an entry in ClinVar:

NM_004360.5(CDH1):c.239A>T (p.Asp80Val)

Gene: CDH1 (cadherin 1; plus strand). Cytogenetic location: 16q22.1.
Variant type: single nucleotide variant.
Coding change: c.239A>T on transcript NM_004360.5 (MANE Select); coding-DNA position 239, A replaced by T.
Protein change: p.Asp80Val; replaces aspartic acid 80 with valine.
Molecular consequence: missense variant. On other transcripts: 5 prime UTR variant (2).
Genome position (GRCh38, 1-based): chr16:68,801,745, A>T. VCF-style: chr16-68801745-A-T. GRCh37 (hg19) VCF-style: chr16-68835648-A-T.
Other names: c.239A>T, p.Asp80Val (NM_001317184.2); c.-1377A>T (NM_001317185.2); c.-1581A>T (NM_001317186.2); short protein forms D80V.
Identifiers: ClinVar variation 1059256 (VCV001059256.9), dbSNP rs2152126752, ClinGen allele CA396457220.

ClinVar aggregate classification (germline): Uncertain significance (1 of 4 stars; one submission).

Conditions:
Hereditary diffuse gastric adenocarcinoma (HDGC). Also called: DIFFUSE GASTRIC AND LOBULAR BREAST CANCER SYNDROME. Identifiers: Orphanet 26106, MedGen C1708349, MONDO:0007648, OMIM 137215.

Submission:

Labcorp Genetics (formerly Invitae), Labcorp
Classification: Uncertain significance for Hereditary diffuse gastric adenocarcinoma. Last evaluated: 2023-07-10. Review status: criteria provided, single submitter. Criteria: Invitae Variant Classification Sherloc (09022015). Collection method: clinical testing. Allele origin: germline.
Comment: In summary, the available evidence is currently insufficient to determine the role of this variant in disease. Therefore, it has been classified as a Variant of Uncertain Significance. An algorithm developed to predict the effect of missense changes on protein structure and function (PolyPhen-2) suggests that this variant is likely to be disruptive. ClinVar contains an entry for this variant (Variation ID: 1059256). This variant has not been reported in the literature in individuals affected with CDH1-related conditions. This variant is not present in population databases (gnomAD no frequency). This sequence change replaces aspartic acid, which is acidic and polar, with valine, which is neutral and non-polar, at codon 80 of the CDH1 protein (p.Asp80Val).